The following is an entry in ClinVar:

ClinVar aggregate classification (germline): Conflicting classifications of pathogenicity. Review status: criteria provided, conflicting classifications (1 of 4 stars). 2 submissions from 2 submitters: Uncertain significance (1); Likely benign (1). Last evaluated 2024-02-26.

Conditions:
Hereditary cancer-predisposing syndrome. Also called: Neoplastic Syndromes, Hereditary; Tumor predisposition; Hereditary neoplastic syndrome; Hereditary Cancer Syndrome. Identifiers: Orphanet 140162, MedGen C0027672, MeSH D009386, MONDO:0015356.
Familial cancer of breast. Also called: hereditary breast carcinoma; Hereditary breast cancer; BREAST CANCER, FAMILIAL. Identifiers: Orphanet 227535, MedGen C0346153, MONDO:0016419, OMIM 114480. Disease mechanism: loss of function.

Allele frequency attached by ClinVar (database versions not stated): gnomAD exomes 0.00001.
gnomAD v4.1: 3 of 1,614,106 alleles (0.00019%); highest among the groups gnomAD compares: Non-Finnish European, 0.00025%; no homozygotes.

Submissions (2):

Ambry Genetics
Classification: Likely benign for Hereditary cancer-predisposing syndrome. Last evaluated: 2024-02-26. Review status: criteria provided, single submitter. Criteria: Ambry Variant Classification Scheme 2023. Collection method: clinical testing. Allele origin: germline.

Labcorp Genetics (formerly Invitae), Labcorp
Classification: Uncertain significance for Familial cancer of breast. Last evaluated: 2022-05-19. Review status: criteria provided, single submitter. Criteria: Invitae Variant Classification Sherloc (09022015). Collection method: clinical testing. Allele origin: germline.
Comment: Algorithms developed to predict the effect of missense changes on protein structure and function output the following: SIFT: "Tolerated"; PolyPhen-2: "Benign"; Align-GVGD: "Class C0". The valine amino acid residue is found in multiple mammalian species, which suggests that this missense change does not adversely affect protein function. In summary, the available evidence is currently insufficient to determine the role of this variant in disease. Therefore, it has been classified as a Variant of Uncertain Significance. This variant has not been reported in the literature in individuals affected with BARD1-related conditions. This variant is not present in population databases (gnomAD no frequency). This sequence change replaces isoleucine, which is neutral and non-polar, with valine, which is neutral and non-polar, at codon 388 of the BARD1 protein (p.Ile388Val).

NM_000465.4(BARD1):c.1162A>G (p.Ile388Val)

Gene: BARD1 (BRCA1 associated RING domain 1; minus strand). Cytogenetic location: 2q35.
Variant type: single nucleotide variant.
Coding change: c.1162A>G on transcript NM_000465.4 (MANE Select); coding-DNA position 1162, A replaced by G.
Protein change: p.Ile388Val; replaces isoleucine 388 with valine.
Molecular consequence: missense variant. On other transcripts: non-coding transcript variant (2), intron variant (3).
Genome position (GRCh38, 1-based): chr2:214,780,712, T>C on the plus strand (A>G on the coding strand, the complement: BARD1 is on the minus strand). VCF-style: chr2-214780712-T-C. GRCh37 (hg19) VCF-style: chr2-215645436-T-C.
Other names: c.1105A>G, p.Ile369Val (NM_001282543.2); c.159-28157A>G (NM_001282548.2); c.215+16349A>G (NM_001282545.2); c.364+11585A>G (NM_001282549.2); short protein forms I388V, I369V.
Identifiers: ClinVar variation 1370155 (VCV001370155.11), dbSNP rs1553622215, ClinGen allele CA350453913.